The following is an entry in ClinVar:

ClinVar aggregate classification (germline): Likely benign (1 of 4 stars; one submission).

Submission:

CeGaT Center for Human Genetics Tuebingen
Classification: Likely benign. Last evaluated: 2025-01-01. Review status: criteria provided, single submitter. Criteria: CeGaT Center For Human Genetics Tuebingen Variant Classification Criteria Version 2. Collection method: clinical testing. Allele origin: germline. Affected: yes. Observed: 1 variant allele.
Comment: GBF1: BP4, BS2

NM_001377137.1(GBF1):c.1591C>T (p.Arg531Cys)

Gene: GBF1 (golgi brefeldin A resistant guanine nucleotide exchange factor 1; plus strand). Cytogenetic location: 10q24.32.
Variant type: single nucleotide variant.
Coding change: c.1591C>T on transcript NM_001377137.1 (MANE Select); coding-DNA position 1591, C replaced by T.
Protein change: p.Arg531Cys; replaces arginine 531 with cysteine.
Molecular consequence: missense variant. On other transcripts: non-coding transcript variant (5), intron variant (2).
Genome position (GRCh38, 1-based): chr10:102,361,817, C>T. VCF-style: chr10-102361817-C-T. GRCh37 (hg19) VCF-style: chr10-104121574-C-T.
Other names: c.1591C>T, p.Arg531Cys (NM_001199378.2, NM_001391923.1, NM_001391926.1); c.1588C>T, p.Arg530Cys (NM_001199379.2, NM_001377138.1, NM_001377141.1 and 7 more transcripts); c.1687C>T, p.Arg563Cys (NM_001391922.1, NM_001411027.1); c.1210C>T, p.Arg404Cys (NM_001391931.1); c.1663C>T, p.Arg555Cys (NM_001411003.1); c.1390-658C>T (NM_001377139.1, NM_001377140.1); short protein forms R404C, R530C, R531C, R555C, R563C.
Identifiers: ClinVar variation 3770979 (VCV003770979.13).